The following is an entry in ClinVar:

NM_005236.3(ERCC4):c.1979C>T (p.Thr660Ile)

Gene: ERCC4 (ERCC excision repair 4, endonuclease catalytic subunit; plus strand). Cytogenetic location: 16p13.12.
Variant type: single nucleotide variant.
Coding change: c.1979C>T on transcript NM_005236.3 (MANE Select); coding-DNA position 1979, C replaced by T.
Protein change: p.Thr660Ile; replaces threonine 660 with isoleucine.
Molecular consequence: missense variant.
Genome position (GRCh38, 1-based): chr16:13,944,797, C>T. VCF-style: chr16-13944797-C-T. GRCh37 (hg19) VCF-style: chr16-14038654-C-T.
Other names: short protein forms T660I.
Identifiers: ClinVar variation 930972 (VCV000930972.8), dbSNP rs779366136, ClinGen allele CA7910626.
Genomic context (GRCh38, chr16:13,944,797, plus strand): 5'-TGGTTGTCCCTGAAGAAAGAGAAGGCAGAGATGAAACAAACTTAGACCTAGTAAGAGGCA[C>T]AGCATCTGCAGATGTTTCCACTGACACTCGGAAAGCCGGTGAGTCCTGCACTTTGTCAGG-3'
Protein context (NP_005227.1, residues 650-670): DETNLDLVRG[Thr660Ile]ASADVSTDTR

ClinVar aggregate classification (germline): Uncertain significance. Review status: criteria provided, multiple submitters, no conflicts (2 of 4 stars). 3 submissions from 3 submitters: Uncertain significance (3). Last evaluated 2023-04-28.

Conditions:
Xeroderma pigmentosum (XP). Identifiers: Orphanet 910, MedGen C0043346, MONDO:0019600.
Fanconi anemia complementation group Q. Identifiers: Orphanet 84, MedGen C3808988, MONDO:0014108, OMIM 615272.
Xeroderma pigmentosum, group F (XPF). Also called: XERODERMA PIGMENTOSUM VI; XP, GROUP F; XERODERMA PIGMENTOSUM, COMPLEMENTATION GROUP F; XERODERMA PIGMENTOSUM, TYPE F; Xeroderma pigmentosum, type 6; ERCC4-Related Xeroderma Pigmentosum. Identifiers: MedGen C0268140, MONDO:0010215, OMIM 278760.
Cockayne syndrome. Identifiers: Orphanet 191, MedGen C0009207, MONDO:0016006.

Allele frequency attached by ClinVar (database versions not stated): gnomAD 0.00001; TOPMed 0.00001.
gnomAD v4.1: 22 of 1,613,568 alleles (0.0014%); highest among the groups gnomAD compares: Non-Finnish European, 0.0015%; no homozygotes.

Submissions (3):

Labcorp Genetics (formerly Invitae), Labcorp
Classification: Uncertain significance for Fanconi anemia complementation group Q; Xeroderma pigmentosum, group F; Cockayne syndrome. Last evaluated: 2023-04-28. Review status: criteria provided, single submitter. Criteria: Invitae Variant Classification Sherloc (09022015). Collection method: clinical testing. Allele origin: germline.
Comment: ClinVar contains an entry for this variant (Variation ID: 930972). This variant has not been reported in the literature in individuals affected with ERCC4-related conditions. This variant is present in population databases (rs779366136, gnomAD 0.003%). This sequence change replaces threonine, which is neutral and polar, with isoleucine, which is neutral and non-polar, at codon 660 of the ERCC4 protein (p.Thr660Ile). Algorithms developed to predict the effect of missense changes on protein structure and function output the following: SIFT: "Not Available"; PolyPhen-2: "Benign"; Align-GVGD: "Not Available". The isoleucine amino acid residue is found in multiple mammalian species, which suggests that this missense change does not adversely affect protein function. In summary, the available evidence is currently insufficient to determine the role of this variant in disease. Therefore, it has been classified as a Variant of Uncertain Significance.

Sema4
Classification: Uncertain significance for Xeroderma pigmentosum. Last evaluated: 2021-06-19. Review status: criteria provided, single submitter. Criteria: Sema4 Curation Guidelines. Collection method: curation. Allele origin: germline.
Comment: The ERCC4 c.1979C>T (p.T660I) variant has not been reported in the literature to our knowledge. It was observed in 1/10064 chromosomes of the Ashkenazi Jewish subpopulation in the large and broad cohorts of the Genome Aggregation Database (PMID: 32461654). The variant has been reported in ClinVar (Variation ID 930972). In silico tools suggest the impact of the variant on protein function is benign, though these predictions have not been confirmed by functional studies. The evidence is insufficient to meet ACMG/AMP criteria for classifying the variant as benign or pathogenic. Thus, the clinical significance of this variant is currently uncertain.

Centre for Mendelian Genomics, University Medical Centre Ljubljana
Classification: Uncertain significance for Fanconi anemia complementation group Q. Last evaluated: 2018-11-04. Review status: criteria provided, single submitter. Criteria: ACMG Guidelines, 2015. Collection method: clinical testing. Allele origin: unknown. Affected: yes.
Comment: This variant was classified as: Uncertain significance. The available evidence on this variant's pathogenicity is insufficient or conflicting. The following ACMG criteria were applied in classifying this variant: BP4.